The following is an entry in ClinVar:

NM_000338.3(SLC12A1):c.1215G>A (p.Glu405=)

Gene: SLC12A1 (solute carrier family 12 member 1; plus strand). Cytogenetic location: 15q21.1.
Variant type: single nucleotide variant.
Coding change: c.1215G>A on transcript NM_000338.3 (MANE Select); coding-DNA position 1215, G replaced by A.
Protein change: p.Glu405=; no amino-acid change (glutamic acid 405 retained).
Molecular consequence: synonymous variant.
Genome position (GRCh38, 1-based): chr15:48,235,004, G>A. VCF-style: chr15-48235004-G-A. GRCh37 (hg19) VCF-style: chr15-48527201-G-A.
Other names: c.1215G>A, p.Glu405= (NM_001184832.2, NM_001384136.1).
Identifiers: ClinVar variation 3364851 (VCV003364851.3).

ClinVar aggregate classification (germline): Uncertain significance. Review status: criteria provided, multiple submitters, no conflicts (2 of 4 stars). 2 submissions from 2 submitters: Uncertain significance (2). Last evaluated 2026-01-26.

Conditions:
SLC12A1-related disorder. Also called: SLC12A1-related condition.

gnomAD v4.1: 18 of 1,613,744 alleles (0.0011%); highest among the groups gnomAD compares: South Asian, 0.02%; no homozygotes.

Submissions (2):

GeneDx
Classification: Uncertain significance. Last evaluated: 2026-01-26. Review status: criteria provided, single submitter. Criteria: GeneDx Variant Classification Process June 2021. Collection method: clinical testing. Allele origin: germline.
Comment: Observed with a second SLC12A1 variant, phase unknown, in a patient with Bartter syndrome in the literature (PMID: 31672324); In silico analysis is inconclusive as to whether the variant alters gene splicing. In the absence of RNA/functional studies, the actual effect of this sequence change is unknown.; This variant is associated with the following publications: (PMID: 29942493, 31672324)

PreventionGenetics, part of Exact Sciences
Classification: Uncertain significance for SLC12A1-related condition. Last evaluated: 2025-12-23. Review status: criteria provided, single submitter. Criteria: ACMG Guidelines, 2015. Collection method: clinical testing. Allele origin: germline.
Comment: The SLC12A1 c.1215G>A variant is not predicted to result in an amino acid change (p.=). This variant resides at the last nucleotide of the exon and is predicted to possibly alter splicing based on available splicing prediction programs (Alamut Visual v2.11). This variant has been reported in the compound heterozygous and homozygous state in two individuals with Bartter or Gitelman syndrome (Hureaux et al. 2019. PubMed ID: 31672324). This variant is reported in 0.026% of alleles in individuals of South Asian descent in gnomAD. Although we suspect this variant is pathogenic, at this time, the clinical significance of this variant is uncertain due to the absence of conclusive functional and genetic evidence.